The following is an entry in ClinVar:

NM_024334.3(TMEM43):c.724T>C (p.Ser242Pro)

Gene: TMEM43 (transmembrane protein 43; plus strand). Cytogenetic location: 3p25.1.
Variant type: single nucleotide variant.
Coding change: c.724T>C on transcript NM_024334.3 (MANE Select); coding-DNA position 724, T replaced by C.
Protein change: p.Ser242Pro; replaces serine 242 with proline.
Molecular consequence: missense variant. On other transcripts: intron variant (1).
Genome position (GRCh38, 1-based): chr3:14,135,176, T>C. VCF-style: chr3-14135176-T-C. GRCh37 (hg19) VCF-style: chr3-14176676-T-C.
Other names: c.727T>C, p.Ser243Pro (NM_001407274.1); c.724T>C, p.Ser242Pro (NM_001407275.1, NM_001407276.1, NM_001407277.1); c.709T>C, p.Ser237Pro (NM_001407278.1); c.574T>C, p.Ser192Pro (NM_001407280.1); c.705+285T>C (NM_001407279.1); short protein forms S192P, S237P, S242P, S243P.
Identifiers: ClinVar variation 4757053 (VCV004757053.1).
Genomic context (GRCh38, chr3:14,135,176, plus strand): 5'-CTACTCCGTTCCTCACTCTCCCTGCTTCTCTTCCACCCCCAGGTGGGAGACTTGCGTGTC[T>C]CCTTTTCCTATGCTGGACTGAGCGGCGATGACCCTGACCTGGGCCCAGCTCACGTGGTAA-3'
Protein context (NP_077310.1, residues 232-252): KYPEVGDLRV[Ser242Pro]FSYAGLSGDD

ClinVar aggregate classification (germline): Uncertain significance (1 of 4 stars; one submission).

Conditions:
Cardiomyopathy (CMYO). Also called: Cardiomyopathies. Identifiers: Orphanet 167848, MedGen C0878544, MONDO:0004994, HP:0001638. Inheritance: Various modes of inheritance.

Submission:

Color Diagnostics, LLC DBA Color Health
Classification: Uncertain significance for Cardiomyopathy. Last evaluated: 2025-06-17. Review status: criteria provided, single submitter. Criteria: ACMG Guidelines, 2015. Collection method: clinical testing. Allele origin: germline.
Comment: This missense variant replaces serine with proline at codon 242 of the TMEM43 protein. Computational prediction suggests that this variant may not impact protein structure and function. To our knowledge, functional studies have not been reported for this variant. This variant has not been reported in individuals affected with TMEM43-related disorders in the literature. This variant has not been identified in the general population by the Genome Aggregation Database (gnomAD). The available evidence is insufficient to determine the role of this variant in disease conclusively. Therefore, this variant is classified as a Variant of Uncertain Significance.